The following is an entry in ClinVar:

NM_014225.6(PPP2R1A):c.1243G>A (p.Ala415Thr)

Gene: PPP2R1A (protein phosphatase 2 scaffold subunit Aalpha; plus strand). Cytogenetic location: 19q13.41.
Variant type: single nucleotide variant.
Coding change: c.1243G>A on transcript NM_014225.6 (MANE Select); coding-DNA position 1243, G replaced by A.
Protein change: p.Ala415Thr; replaces alanine 415 with threonine.
Molecular consequence: missense variant. On other transcripts: non-coding transcript variant (1).
Genome position (GRCh38, 1-based): chr19:52,219,805, G>A. VCF-style: chr19-52219805-G-A. GRCh37 (hg19) VCF-style: chr19-52723058-G-A.
Other names: c.706G>A, p.Ala236Thr (NM_001363656.2); short protein forms A236T, A415T.
Identifiers: ClinVar variation 1369178 (VCV001369178.7), dbSNP rs2122360615, ClinGen allele CA407189479.

ClinVar aggregate classification (germline): Uncertain significance (1 of 4 stars; one submission).

Allele frequency attached by ClinVar (database versions not stated): gnomAD exomes 0.00001.

Submission:

Labcorp Genetics (formerly Invitae), Labcorp
Classification: Uncertain significance. Last evaluated: 2024-10-16. Review status: criteria provided, single submitter. Criteria: Invitae Variant Classification Sherloc (09022015). Collection method: clinical testing. Allele origin: germline.
Comment: This sequence change replaces alanine, which is neutral and non-polar, with threonine, which is neutral and polar, at codon 415 of the PPP2R1A protein (p.Ala415Thr). This variant is not present in population databases (gnomAD no frequency). This variant has not been reported in the literature in individuals affected with PPP2R1A-related conditions. ClinVar contains an entry for this variant (Variation ID: 1369178). Invitae Evidence Modeling of protein sequence and biophysical properties (such as structural, functional, and spatial information, amino acid conservation, physicochemical variation, residue mobility, and thermodynamic stability) indicates that this missense variant is not expected to disrupt PPP2R1A protein function with a negative predictive value of 80%. In summary, the available evidence is currently insufficient to determine the role of this variant in disease. Therefore, it has been classified as a Variant of Uncertain Significance.